The following is an entry in ClinVar:

NM_017999.5(RNF31):c.185A>T (p.His62Leu)

Gene: RNF31 (ring finger protein 31; plus strand). Cytogenetic location: 14q12.
Variant type: single nucleotide variant.
Coding change: c.185A>T on transcript NM_017999.5 (MANE Select); coding-DNA position 185, A replaced by T.
Protein change: p.His62Leu; replaces histidine 62 with leucine.
Molecular consequence: missense variant. On other transcripts: intron variant (1).
Genome position (GRCh38, 1-based): chr14:24,147,883, A>T. VCF-style: chr14-24147883-A-T. GRCh37 (hg19) VCF-style: chr14-24617092-A-T.
Other names: c.-325-93A>T (NM_001310332.2); short protein forms H62L.
Identifiers: ClinVar variation 2874987 (VCV002874987.3), dbSNP rs370205793, ClinGen allele CA7125377.
Genomic context (GRCh38, chr14:24,147,883, plus strand): 5'-TGCCGCTAGCCGCCCGCTACCTGCAGCTGGACGCCGCACGCCTTGTCCGCTGCAACGCTC[A>T]TGGGGAGGTGAGGCCCGGCCCCGCTTGGAAGGGGGACACCAGGGCCTGAGGCCCAGGCCA-3'
Protein context (NP_060469.4, residues 52-72): DAARLVRCNA[His62Leu]GEPRNYLNTL

ClinVar aggregate classification (germline): Uncertain significance (1 of 4 stars; one submission).

Allele frequency attached by ClinVar (database versions not stated): ExAC 0.00002; gnomAD 0.00002; gnomAD exomes 0.00002; TOPMed 0.00002; ESP Exome Variant Server 0.00008.
gnomAD v4.1: 39 of 1,611,816 alleles (0.0024%); highest among the groups gnomAD compares: Non-Finnish European, 0.003%; no homozygotes.

Submission:

Labcorp Genetics (formerly Invitae), Labcorp
Classification: Uncertain significance. Last evaluated: 2023-09-20. Review status: criteria provided, single submitter. Criteria: Invitae Variant Classification Sherloc (09022015). Collection method: clinical testing. Allele origin: germline.
Comment: In summary, the available evidence is currently insufficient to determine the role of this variant in disease. Therefore, it has been classified as a Variant of Uncertain Significance. Algorithms developed to predict the effect of missense changes on protein structure and function output the following: SIFT: "Not Available"; PolyPhen-2: "Benign"; Align-GVGD: "Not Available". The leucine amino acid residue is found in multiple mammalian species, which suggests that this missense change does not adversely affect protein function. This variant has not been reported in the literature in individuals affected with RNF31-related conditions. This variant is present in population databases (rs370205793, gnomAD 0.003%). This sequence change replaces histidine, which is basic and polar, with leucine, which is neutral and non-polar, at codon 62 of the RNF31 protein (p.His62Leu).